The following is an entry in ClinVar:

NM_173354.5(SIK1):c.558C>A (p.Ser186Arg)

Gene: SIK1 (salt inducible kinase 1; minus strand). Cytogenetic location: 21q22.3.
Variant type: single nucleotide variant.
Coding change: c.558C>A on transcript NM_173354.5 (MANE Select); coding-DNA position 558, C replaced by A.
Protein change: p.Ser186Arg; replaces serine 186 with arginine.
Molecular consequence: missense variant.
Genome position (GRCh38, 1-based): chr21:43,421,309, G>T on the plus strand (C>A on the coding strand, the complement: SIK1 is on the minus strand). VCF-style: chr21-43421309-G-T. GRCh37 (hg19) VCF-style: chr21-44841189-G-T.
Other names: short protein forms S186R.
Identifiers: ClinVar variation 2699166 (VCV002699166.3), dbSNP rs1277105616, ClinGen allele CA410609916.

ClinVar aggregate classification (germline): Uncertain significance (1 of 4 stars; one submission).

Conditions:
Developmental and epileptic encephalopathy, 30 (DEE30). Also called: Epileptic encephalopathy, early infantile, 30. Identifiers: MedGen C4225360, MONDO:0014595, OMIM 616341.

Submission:

Labcorp Genetics (formerly Invitae), Labcorp
Classification: Uncertain significance for Developmental and epileptic encephalopathy, 30. Last evaluated: 2023-12-04. Review status: criteria provided, single submitter. Criteria: Invitae Variant Classification Sherloc (09022015). Collection method: clinical testing. Allele origin: germline.
Comment: This sequence change replaces serine, which is neutral and polar, with arginine, which is basic and polar, at codon 186 of the SIK1 protein (p.Ser186Arg). This variant is not present in population databases (gnomAD no frequency). This variant has not been reported in the literature in individuals affected with SIK1-related conditions. Advanced modeling of protein sequence and biophysical properties (such as structural, functional, and spatial information, amino acid conservation, physicochemical variation, residue mobility, and thermodynamic stability) performed at Invitae indicates that this missense variant is expected to disrupt SIK1 protein function with a positive predictive value of 95%. In summary, the available evidence is currently insufficient to determine the role of this variant in disease. Therefore, it has been classified as a Variant of Uncertain Significance.